The following is an entry in ClinVar:

NM_001928.4(CFD):c.213-2A>C

Gene: CFD (complement factor D; plus strand). Cytogenetic location: 19p13.3.
Variant type: single nucleotide variant.
Coding change: c.213-2A>C on transcript NM_001928.4 (MANE Select); the canonical splice acceptor site of the intron before coding-DNA position 213, A replaced by C.
Molecular consequence: splice acceptor variant.
Genome position (GRCh38, 1-based): chr19:860,859, A>C. VCF-style: chr19-860859-A-C. GRCh37 (hg19) VCF-style: chr19-860859-A-C.
Other names: c.234-2A>C (NM_001317335.2).
Identifiers: ClinVar variation 1961905 (VCV001961905.6), dbSNP rs1175245492, ClinGen allele CA402920843.

ClinVar aggregate classification (germline): Pathogenic/Likely pathogenic. Review status: criteria provided, multiple submitters, no conflicts (2 of 4 stars). 2 submissions from 2 submitters: Pathogenic (1); Likely pathogenic (1). Last evaluated 2026-08-06.

Conditions:
Recurrent Neisseria infections due to factor D deficiency. Also called: FACTOR D DEFICIENCY. Identifiers: Orphanet 169467, MedGen C0398764, MONDO:0013487, OMIM 613912.

Allele frequency attached by ClinVar (database versions not stated): gnomAD exomes below 0.00001.

Submissions (2):

OLLIN Analises Genomicas, OLLIN
Classification: Pathogenic for Recurrent Neisseria infections due to factor D deficiency. Last evaluated: 2026-08-06. Review status: criteria provided, single submitter. Criteria: ACMG Guidelines 2015 PMID 25741868. Collection method: clinical testing. Allele origin: germline. Inheritance: Autosomal recessive inheritance.
Comment: This variant, located at the canonical splicing site (splice acceptor), has been reported in ClinVar (accession VCV001961905.5) and in gnomAD with an allele frequency of 0.00019%. However, to our knowledge, it has not been reported in the scientific literature. This variant is predicted to disrupt a canonical splice site, potentially leading to exon skipping, mRNA degradation via nonsense-mediated decay (NMD), or production of a truncated protein. Another pathogenic variant has been reported to result in the same amino acid substitution. According to the currently available evidence, this variant has been classified as pathogenic (PVS1, PS1_P, PM2_P).

Labcorp Genetics (formerly Invitae), Labcorp
Classification: Likely pathogenic. Last evaluated: 2022-01-12. Review status: criteria provided, single submitter. Criteria: Invitae Variant Classification Sherloc (09022015). Collection method: clinical testing. Allele origin: germline.
Comment: This variant is not present in population databases (gnomAD no frequency). This sequence change affects an acceptor splice site in intron 2 of the CFD gene. It is expected to disrupt RNA splicing. Variants that disrupt the donor or acceptor splice site typically lead to a loss of protein function (PMID: 16199547), and loss-of-function variants in CFD are known to be pathogenic (PMID: 11724962). In summary, the currently available evidence indicates that the variant is pathogenic, but additional data are needed to prove that conclusively. Therefore, this variant has been classified as Likely Pathogenic. Algorithms developed to predict the effect of sequence changes on RNA splicing suggest that this variant may disrupt the consensus splice site. This variant has not been reported in the literature in individuals affected with CFD-related conditions.

Literature cited by the submitters: PubMed 16199547 (cited by Labcorp Genetics (formerly Invitae), Labcorp); PubMed 11724962 (cited by Labcorp Genetics (formerly Invitae), Labcorp).